The following is an entry in ClinVar:

NM_007294.4(BRCA1):c.4991_4992dup (p.Val1665fs)

Gene: BRCA1 (BRCA1 DNA repair associated; minus strand). Cytogenetic location: 17q21.31.
Variant type: Duplication.
Coding change: c.4991_4992dup on transcript NM_007294.4 (MANE Select); coding-DNA positions 4991 to 4992, 2 bases duplicated (TC; older notation c.4991_4992dupTC).
Protein change: p.Val1665fs; shifts the reading frame from valine 1665.
Molecular consequence: frameshift variant. On other transcripts: intron variant (1).
Genome position (GRCh38, 1-based): chr17:43,067,690-43,067,691, GA duplicated on the plus strand (TC on the coding strand, the reverse complement: BRCA1 is on the minus strand); duplicating any 2 consecutive bases within chr17:43,067,690-43,067,692 gives the same sequence; the c. name uses the placement nearest the transcript's 3' end. VCF-style (leftmost placement, unchanged base first): chr17-43067689-C-CGA. GRCh37 (hg19) VCF-style: chr17-41219706-C-CGA.
Other names: c.4778_4779dup, p.Val1594fs (NM_001407571.1, NM_001407894.1, NM_001407895.1 and 12 more transcripts); c.5057_5058dup, p.Val1687fs (NM_001407581.1, NM_001407582.1); c.5054_5055dup, p.Val1686fs (NM_001407583.1, NM_001407585.1, NM_001407587.1 and 1 more transcripts); c.5051_5052dup, p.Val1685fs (NM_001407590.1, NM_001407591.1); c.4991_4992dup, p.Val1665fs (NM_001407593.1, NM_001407594.1, NM_001407596.1 and 8 more transcripts); c.4988_4989dup, p.Val1664fs (NM_001407610.1, NM_001407611.1, NM_001407612.1 and 17 more transcripts); c.4985_4986dup, p.Val1663fs (NM_001407627.1, NM_001407628.1, NM_001407629.1 and 14 more transcripts); c.4982_4983dup, p.Val1662fs (NM_001407644.1, NM_001407645.1); and 72 more; short protein forms V1368fs, V1369fs, V1496fs, V1511fs, V1536fs, V1537fs, V1538fs, V1552fs.
Identifiers: ClinVar variation 3344405 (VCV003344405.1).

ClinVar aggregate classification (germline): Likely pathogenic (0 of 4 stars; one submission).

Conditions:
BRCA1-related disorder. Also called: BRCA1-related condition.

Submission:

PreventionGenetics, part of Exact Sciences
Classification: Likely pathogenic for BRCA1-related condition. Last evaluated: 2024-08-20. Review status: no assertion criteria provided. Collection method: clinical testing. Allele origin: germline.
Comment: The BRCA1 c.4991_4992dupTC variant is predicted to result in a frameshift and premature protein termination (p.Val1665Serfs*13). To our knowledge, this variant has not been reported in the literature or in a large population database, indicating this variant is rare. Frameshift variants in BRCA1 are expected to be pathogenic. This variant is interpreted as likely pathogenic.